The following is an entry in ClinVar:

NM_153460.4(IL17RC):c.1099C>G (p.Leu367Val)

Gene: IL17RC (interleukin 17 receptor C; plus strand). Cytogenetic location: 3p25.3.
Variant type: single nucleotide variant.
Coding change: c.1099C>G on transcript NM_153460.4 (MANE Select); coding-DNA position 1099, C replaced by G.
Protein change: p.Leu367Val; replaces leucine 367 with valine.
Molecular consequence: missense variant. On other transcripts: non-coding transcript variant (1), intron variant (2).
Genome position (GRCh38, 1-based): chr3:9,928,619, C>G. VCF-style: chr3-9928619-C-G. GRCh37 (hg19) VCF-style: chr3-9970303-C-G.
Other names: c.1099C>G, p.Leu367Val (NM_001203263.2); c.1060C>G, p.Leu354Val (NM_001367278.1); c.979C>G, p.Leu327Val (NM_001367279.1); c.1054C>G, p.Leu352Val (NM_001367280.1, NM_032732.6); c.1312C>G, p.Leu438Val (NM_153461.4); c.1059+133C>G (NM_001203264.2); c.1014+133C>G (NM_001203265.2); short protein forms L438V, L367V, L352V, L354V, L327V.
Identifiers: ClinVar variation 542530 (VCV000542530.6), dbSNP rs773903331, ClinGen allele CA2247137.

ClinVar aggregate classification (germline): Uncertain significance. Review status: criteria provided, multiple submitters, no conflicts (2 of 4 stars). 2 submissions from 2 submitters: Uncertain significance (2). Last evaluated 2024-10-24.

Conditions:
Candidiasis, familial, 9 (CANDF9). Identifiers: Orphanet 1334, MedGen C4225324, MONDO:0014642, OMIM 616445.

Allele frequency attached by ClinVar (database versions not stated): gnomAD exomes 0.00004; ExAC 0.00001; TOPMed 0.00002.
gnomAD v4.1: 68 of 1,613,762 alleles (0.0042%); highest among the groups gnomAD compares: Admixed American, 0.005%; no homozygotes.

Submissions (2):

Labcorp Genetics (formerly Invitae), Labcorp
Classification: Uncertain significance for Candidiasis, familial, 9. Last evaluated: 2024-10-24. Review status: criteria provided, single submitter. Criteria: Invitae Variant Classification Sherloc (09022015). Collection method: clinical testing. Allele origin: germline.
Comment: This sequence change replaces leucine, which is neutral and non-polar, with valine, which is neutral and non-polar, at codon 438 of the IL17RC protein (p.Leu438Val). This variant is present in population databases (rs773903331, gnomAD 0.006%). This variant has not been reported in the literature in individuals affected with IL17RC-related conditions. ClinVar contains an entry for this variant (Variation ID: 542530). An algorithm developed to predict the effect of missense changes on protein structure and function outputs the following: PolyPhen-2: "Benign". The valine amino acid residue is found in multiple mammalian species, which suggests that this missense change does not adversely affect protein function. In summary, the available evidence is currently insufficient to determine the role of this variant in disease. Therefore, it has been classified as a Variant of Uncertain Significance.

Ambry Genetics
Classification: Uncertain significance. Last evaluated: 2022-02-10. Review status: criteria provided, single submitter. Criteria: Ambry Variant Classification Scheme 2023. Collection method: clinical testing. Allele origin: germline.